The following is an entry in ClinVar:

NM_001365480.1(CCDC88A):c.632T>C (p.Ile211Thr)

Gene: CCDC88A (coiled-coil and HOOK domain protein 88A; minus strand). Cytogenetic location: 2p16.1.
Variant type: single nucleotide variant.
Coding change: c.632T>C on transcript NM_001365480.1 (MANE Select); coding-DNA position 632, T replaced by C.
Protein change: p.Ile211Thr; replaces isoleucine 211 with threonine.
Molecular consequence: missense variant.
Genome position (GRCh38, 1-based): chr2:55,355,747, A>G on the plus strand (T>C on the coding strand, the complement: CCDC88A is on the minus strand). VCF-style: chr2-55355747-A-G. GRCh37 (hg19) VCF-style: chr2-55582883-A-G.
Other names: c.632T>C, p.Ile211Thr (NM_001135597.2, NM_001254943.2, NM_018084.5); short protein forms I211T.
Identifiers: ClinVar variation 2134319 (VCV002134319.4), dbSNP rs1367275596, ClinGen allele CA346910165.

ClinVar aggregate classification (germline): Uncertain significance (1 of 4 stars; one submission).

Submission:

Labcorp Genetics (formerly Invitae), Labcorp
Classification: Uncertain significance. Last evaluated: 2022-10-24. Review status: criteria provided, single submitter. Criteria: Invitae Variant Classification Sherloc (09022015). Collection method: clinical testing. Allele origin: germline.
Comment: This variant is not present in population databases (gnomAD no frequency). This variant has not been reported in the literature in individuals affected with CCDC88A-related conditions. Algorithms developed to predict the effect of missense changes on protein structure and function are either unavailable or do not agree on the potential impact of this missense change (SIFT: "Deleterious"; PolyPhen-2: "Benign"; Align-GVGD: "Class C0"). In summary, the available evidence is currently insufficient to determine the role of this variant in disease. Therefore, it has been classified as a Variant of Uncertain Significance. This sequence change replaces isoleucine, which is neutral and non-polar, with threonine, which is neutral and polar, at codon 211 of the CCDC88A protein (p.Ile211Thr).